The following is an entry in ClinVar:

NM_078470.6(COX15):c.819del (p.Thr274fs)

Gene: COX15 (cytochrome c oxidase assembly factor COX15; minus strand). Cytogenetic location: 10q24.2.
Variant type: Deletion.
Coding change: c.819del on transcript NM_078470.6 (MANE Select); coding-DNA position 819, one base deleted (T; older notation c.819delT).
Protein change: p.Thr274fs; shifts the reading frame from threonine 274.
Molecular consequence: frameshift variant. On other transcripts: non-coding transcript variant (1), intron variant (1).
Genome position (GRCh38, 1-based): chr10:99,721,000, A deleted on the plus strand (T on the coding strand, the reverse complement: COX15 is on the minus strand); the first of 2 consecutive A bases (chr10:99,721,000-99,721,001); deleting either gives the same sequence. VCF-style (leftmost placement, unchanged base first): chr10-99720999-TA-T. GRCh37 (hg19) VCF-style: chr10-101480756-TA-T.
Other names: c.819del, p.Thr274fs (NM_001320974.2, NM_001320975.2, NM_001372024.1 and 4 more transcripts); c.282del, p.Thr95fs (NM_001320976.2); c.805+14del (NM_001372026.1); short protein forms T274fs, T95fs.
Identifiers: ClinVar variation 2702897 (VCV002702897.4), dbSNP rs757975752, ClinGen allele CA5642169.
Genomic context (GRCh38, chr10:99,720,999, plus strand): 5'-GCTTAGAGTGCAATGCAAACAGGTCATCTTTGATGAGCTGAGTCCTACCTGAGAGGGCCG[TA>T]AGGAACACCAGACCTGCTGTTCCATGAGCAAATCGTCTCAACTGTAGGAGTTGGTGGGTT-3'

ClinVar aggregate classification (germline): Pathogenic (1 of 4 stars; one submission).

Submission:

Labcorp Genetics (formerly Invitae), Labcorp
Classification: Pathogenic. Last evaluated: 2023-12-25. Review status: criteria provided, single submitter. Criteria: Invitae Variant Classification Sherloc (09022015). Collection method: clinical testing. Allele origin: germline.
Comment: This sequence change creates a premature translational stop signal (p.Thr274Argfs*11) in the COX15 gene. It is expected to result in an absent or disrupted protein product. Loss-of-function variants in COX15 are known to be pathogenic (PMID: 15863660, 21412973). This variant is present in population databases (rs757975752, gnomAD 0.006%). This variant has not been reported in the literature in individuals affected with COX15-related conditions. For these reasons, this variant has been classified as Pathogenic.

Literature cited by the submitters: PubMed 15863660; PubMed 21412973.